The following is an entry in ClinVar:

NM_032737.4(LMNB2):c.26G>A (p.Arg9His)

Genes: LMNB2 (lamin B2; minus strand), LOC130063066 (ATAC-STARR-seq lymphoblastoid silent region 9792; plus strand). Cytogenetic location: 19p13.3.
Variant type: single nucleotide variant.
Coding change: c.26G>A on transcript NM_032737.4 (MANE Select); coding-DNA position 26, G replaced by A.
Protein change: p.Arg9His; replaces arginine 9 with histidine.
Molecular consequence: missense variant.
Genome position (GRCh38, 1-based): chr19:2,456,908, C>T on the plus strand (G>A on the coding strand, the complement: LMNB2 is on the minus strand). VCF-style: chr19-2456908-C-T. GRCh37 (hg19) VCF-style: chr19-2456906-C-T.
Other names: short protein forms R9H.
Identifiers: ClinVar variation 1489287 (VCV001489287.9), dbSNP rs1972098298, ClinGen allele CA403260205.

ClinVar aggregate classification (germline): Uncertain significance. Review status: criteria provided, multiple submitters, no conflicts (2 of 4 stars). 2 submissions from 2 submitters: Uncertain significance (2). Last evaluated 2024-10-23.

Conditions:
Microcephaly 27, primary, autosomal dominant. Identifiers: MedGen C5543051, MONDO:0030929, OMIM 619180.
Progressive myoclonic epilepsy type 9. Identifiers: Orphanet 457265, MedGen C4225289, MONDO:0014685, OMIM 616540.
Lipodystrophy, partial, acquired, susceptibility to (APLD). Also called: APLD, SUSCEPTIBILITY TO. Identifiers: MedGen C3887501, MONDO:0100476, OMIM 608709.

Allele frequency attached by ClinVar (database versions not stated): gnomAD exomes below 0.00001; gnomAD 0.00001.
gnomAD v4.1: 5 of 1,004,108 alleles (0.0005%); highest among the groups gnomAD compares: Non-Finnish European, 0.00059%; no homozygotes.

Submissions (2):

Clinical Genomics Laboratory, Washington University in St. Louis
Classification: Uncertain significance for Microcephaly 27, primary, autosomal dominant. Last evaluated: 2024-10-23. Review status: criteria provided, single submitter. Criteria: ACMG Guidelines, 2015. Collection method: clinical testing. Allele origin: germline.
Comment: The LMNB2 c.26G>A (p.Arg9His) variant, to our knowledge, has not been reported in the medical literature and is absent from the general population (gnomAD v.2.1.1), indicating it is not a common variant. Computational predictors are uncertain as to the impact of this variant on the LMNB2 function. Due to limited information, the clinical significance of this variant is uncertain.

Labcorp Genetics (formerly Invitae), Labcorp
Classification: Uncertain significance for Progressive myoclonic epilepsy type 9; Lipodystrophy, partial, acquired, susceptibility to. Last evaluated: 2022-06-20. Review status: criteria provided, single submitter. Criteria: Invitae Variant Classification Sherloc (09022015). Collection method: clinical testing. Allele origin: germline.
Comment: The frequency data for this variant in the population databases is considered unreliable, as metrics indicate insufficient coverage at this position in the gnomAD database. In summary, the available evidence is currently insufficient to determine the role of this variant in disease. Therefore, it has been classified as a Variant of Uncertain Significance. Algorithms developed to predict the effect of missense changes on protein structure and function are either unavailable or do not agree on the potential impact of this missense change (SIFT: "Tolerated"; PolyPhen-2: "Not Available"; Align-GVGD: "Class C0"). This variant has not been reported in the literature in individuals affected with LMNB2-related conditions. This sequence change replaces arginine, which is basic and polar, with histidine, which is basic and polar, at codon 9 of the LMNB2 protein (p.Arg9His).